The following is an entry in ClinVar:

NM_004213.5(SLC28A1):c.97-10C>T

Gene: SLC28A1 (solute carrier family 28 member 1; plus strand). Cytogenetic location: 15q25.3.
Variant type: single nucleotide variant.
Coding change: c.97-10C>T on transcript NM_004213.5 (MANE Select); 10 bases into the intron before coding-DNA position 97, C replaced by T.
Molecular consequence: intron variant.
Genome position (GRCh38, 1-based): chr15:84,888,762, C>T. VCF-style: chr15-84888762-C-T. GRCh37 (hg19) VCF-style: chr15-85431993-C-T.
Other names: c.97-10C>T (NM_001321722.2, NM_001321721.2, NM_001287762.2 and 2 more transcripts).
Identifiers: ClinVar variation 3056473 (VCV003056473.3), dbSNP rs8187742, ClinGen allele CA7710227.
Genomic context (GRCh38, chr15:84,888,762, plus strand): 5'-GACCCCCAGCTGTAAGTTCCTGGGGGTGGGTAAGGGGCAGGCCGACCTGACGGCTCCCTG[C>T]GGGCTGTAGGAGGAAGGCCAGCTCCCTAGGAGTGACTTGAGCCCCGCAGAGATCAGGAGC-3'

ClinVar aggregate classification (germline): Likely benign. Review status: criteria provided, single submitter (1 of 4 stars). 2 submissions from 2 submitters: Likely benign (1). 1 of the submissions does not count toward it. Last evaluated 2024-09-24.

Conditions:
SLC28A1-related disorder. Also called: SLC28A1-related condition.

Allele frequency attached by ClinVar (database versions not stated): ExAC 0.00370; ESP Exome Variant Server 0.00557; 1000 Genomes Project 0.00619; 1000 Genomes Project 30x 0.00687.
gnomAD v4.1: 1,553 of 1,549,480 alleles (0.1%); highest among the groups gnomAD compares: African/African-American, 1.7%; 11 homozygotes.

Submissions (2):

Blueprint Genetics
Classification: Likely benign. Last evaluated: 2024-09-24. Review status: criteria provided, single submitter. Criteria: ACMG Guidelines, 2015. Collection method: clinical testing. Allele origin: germline.

PreventionGenetics, part of Exact Sciences
Classification: Likely benign for SLC28A1-related condition. Last evaluated: 2019-12-26. Review status: no assertion criteria provided. Collection method: clinical testing. Allele origin: germline. Not counted in ClinVar's aggregate classification.
Comment: This variant is classified as likely benign based on ACMG/AMP sequence variant interpretation guidelines (Richards et al. 2015 PMID: 25741868, with internal and published modifications).